The following is an entry in ClinVar:

NM_000430.4(PAFAH1B1):c.654G>A (p.Met218Ile)

Gene: PAFAH1B1 (platelet activating factor acetylhydrolase 1b regulatory subunit 1; plus strand). Cytogenetic location: 17p13.3.
Variant type: single nucleotide variant.
Coding change: c.654G>A on transcript NM_000430.4 (MANE Select); coding-DNA position 654, G replaced by A.
Protein change: p.Met218Ile; replaces methionine 218 with isoleucine.
Molecular consequence: missense variant.
Genome position (GRCh38, 1-based): chr17:2,672,740, G>A. VCF-style: chr17-2672740-G-A. GRCh37 (hg19) VCF-style: chr17-2576034-G-A.
Other names: short protein forms M218I.
Identifiers: ClinVar variation 4738403 (VCV004738403.1).

ClinVar aggregate classification (germline): Uncertain significance (1 of 4 stars; one submission).

Submission:

Labcorp Genetics (formerly Invitae), Labcorp
Classification: Uncertain significance. Last evaluated: 2025-08-14. Review status: criteria provided, single submitter. Criteria: Invitae Variant Classification Sherloc (09022015). Collection method: clinical testing. Allele origin: germline.
Comment: This sequence change replaces methionine, which is neutral and non-polar, with isoleucine, which is neutral and non-polar, at codon 218 of the PAFAH1B1 protein (p.Met218Ile). This variant is not present in population databases (gnomAD no frequency). This variant has not been reported in the literature in individuals affected with PAFAH1B1-related conditions. An algorithm developed to predict the effect of missense changes on protein structure and function (PolyPhen-2) suggests that this variant is likely to be tolerated. In summary, the available evidence is currently insufficient to determine the role of this variant in disease. Therefore, it has been classified as a Variant of Uncertain Significance.